The following is an entry in ClinVar:

NM_000092.5(COL4A4):c.4429G>T (p.Glu1477Ter)

Gene: COL4A4 (collagen type IV alpha 4 chain; minus strand). Cytogenetic location: 2q36.3.
Variant type: single nucleotide variant.
Coding change: c.4429G>T on transcript NM_000092.5 (MANE Select); coding-DNA position 4429, G replaced by T.
Protein change: p.Glu1477Ter; replaces glutamic acid 1477 with a stop codon.
Molecular consequence: nonsense.
Genome position (GRCh38, 1-based): chr2:227,010,406, C>A on the plus strand (G>T on the coding strand, the complement: COL4A4 is on the minus strand). VCF-style: chr2-227010406-C-A. GRCh37 (hg19) VCF-style: chr2-227875122-C-A.
Other names: short protein forms E1477*.
Identifiers: ClinVar variation 562413 (VCV000562413.2), dbSNP rs1367906290, ClinGen allele CA350836167.

ClinVar aggregate classification (germline): Pathogenic. Review status: criteria provided, single submitter (1 of 4 stars). 2 submissions from 2 submitters: Pathogenic (1). 1 of the submissions does not count toward it. Last evaluated 2025-07-21.

Conditions:
Hematuria. Identifiers: MedGen C0018965, HP:0000790.

Submissions (2):

Genetics Laboratory, Great Ormond Street Hospital NHS Foundation Trust, North Thames Genomic Laboratory Hub
Classification: Pathogenic for Haematuria. Last evaluated: 2025-07-21. Review status: criteria provided, single submitter. Criteria: ACGS Best Practice Guidelines for Variant Classification in Rare Disease 2024 v1.2. Collection method: clinical testing. Allele origin: germline. Affected: yes.
Comment: PS4_supporting, PM2_moderate, PVS1_very-strong

Gharavi Laboratory, Columbia University
Classification: Likely pathogenic. Last evaluated: 2018-09-16. Review status: no assertion criteria provided. Criteria: ACMG Guidelines, 2015. Collection method: research. Allele origin: germline. Affected: yes. Not counted in ClinVar's aggregate classification.